The following is an entry in ClinVar:

ClinVar aggregate classification (germline): Uncertain significance (1 of 4 stars; one submission).

Conditions:
Orofacial-digital syndrome IV (OFD4). Also called: BARAITSER-BURN SYNDROME; OFD SYNDROME WITH TIBIAL DEFECTS; OFD SYNDROME, BARAITSER-BURN TYPE; OFDS IV; ORAL-FACIAL-DIGITAL SYNDROME, TYPE IV; MOHR-MAJEWSKI SYNDROME. Identifiers: Orphanet 2753, MedGen C0406727, MONDO:0009794, OMIM 258860.

Submission:

Baylor Genetics
Classification: Uncertain significance for Orofacial-digital syndrome IV. Last evaluated: 2020-01-02. Review status: criteria provided, single submitter. Criteria: ACMG Guidelines, 2015. Collection method: clinical testing. Allele origin: unknown. Affected: yes.
Comment: This variant was determined to be of uncertain significance according to ACMG Guidelines, 2015 [PMID:25741868].

NM_015631.6(TCTN3):c.1299-3T>C

Gene: TCTN3 (tectonic family member 3; minus strand). Cytogenetic location: 10q24.1.
Variant type: single nucleotide variant.
Coding change: c.1299-3T>C on transcript NM_015631.6 (MANE Select); 3 bases into the intron before coding-DNA position 1299, T replaced by C.
Molecular consequence: intron variant.
Genome position (GRCh38, 1-based): chr10:95,682,807, A>G on the plus strand (T>C on the coding strand, the complement: TCTN3 is on the minus strand). VCF-style: chr10-95682807-A-G. GRCh37 (hg19) VCF-style: chr10-97442564-A-G.
Other names: c.855-3T>C (NM_001143973.2).
Identifiers: ClinVar variation 1027989 (VCV001027989.1), dbSNP rs2097944388, ClinGen allele CA1929653580.
Genomic context (GRCh38, chr10:95,682,807, plus strand): 5'-TCCATGAAGAGTCTGATAAATCTCCTGCTGCAAGTGGCTGCAGTCTGCCTTCTTCAACCT[A>G]TAATTAAACACCATGGAGGCTGCAGTCCAATGCTAACATAATAATATACCTATATTAGTA-3'